The following is an entry in ClinVar:

ClinVar aggregate classification (germline): Likely pathogenic (1 of 4 stars; one submission).

Conditions:
Salla disease (SD). Also called: Less Severe FSASD (Salla Disease); Sialuria, Finnish type; N-acetylneuraminic acid (NANA) storage disease (NSD); Infantile sialic acid storage disorder (ISSD). Identifiers: Orphanet 309334, Orphanet 834, MedGen C1096903, MONDO:0011449, OMIM 604369.

Submission:

Natera, Inc.
Classification: Likely pathogenic for Salla disease. Last evaluated: 2024-03-19. Review status: criteria provided, single submitter. Criteria: Natera Variant Classification Schema (03/2026). Collection method: clinical testing. Allele origin: germline.
Comment: The c.1307delC variant in SLC17A5 is a frameshift variant predicted to shift the reading frame beginning at codon 436 and leads to a stop codon 12 codons downstream. This variant is expected to result in nonsense mediated decay, truncation, or a dysfunctional protein product. This variant is rare in the general population with a frequency below the threshold expected for the associated phenotype(s). Given the available evidence, this variant is classified as Likely Pathogenic.

NM_012434.5(SLC17A5):c.1307del (p.Pro436fs)

Gene: SLC17A5 (solute carrier family 17 member 5; minus strand). Cytogenetic location: 6q13.
Variant type: Deletion.
Coding change: c.1307del on transcript NM_012434.5 (MANE Select); coding-DNA position 1307, one base deleted (C; older notation c.1307delC).
Protein change: p.Pro436fs; shifts the reading frame from proline 436.
Molecular consequence: frameshift variant. On other transcripts: intron variant (1).
Genome position (GRCh38, 1-based): chr6:73,600,394, G deleted on the plus strand (C on the coding strand, the reverse complement: SLC17A5 is on the minus strand); the first of 2 consecutive G bases (chr6:73,600,394-73,600,395); deleting either gives the same sequence. VCF-style (leftmost placement, unchanged base first): chr6-73600393-TG-T. GRCh37 (hg19) VCF-style: chr6-74310116-TG-T.
Other names: c.1076del, p.Pro359fs (NM_001382629.1); c.1328del, p.Pro443fs (NM_001382631.1); c.1220del, p.Pro407fs (NM_001382632.1); c.1307del, p.Pro436fs (NM_001382633.1); c.1148del, p.Pro383fs (NM_001382634.1); c.1304del, p.Pro435fs (NM_001382635.1); c.989del, p.Pro330fs (NM_001382636.1); c.1260-5180del (NM_001382630.1); short protein forms P330fs, P359fs, P383fs, P407fs, P435fs, P436fs, P443fs.
Identifiers: ClinVar variation 4815570 (VCV004815570.1).
Genomic context (GRCh38, chr6:73,600,393, plus strand): 5'-AGTAAATTATCTACTTACATCAGGGGTCAGACTTTTAGCAATGACGGGCCCAACCATTCC[TG>T]GAATAGTGGCAAATGTATTTGTGATGCCCAGGAGGATACCAGCATACCTGTAGAAACATT-3'